The following is an entry in ClinVar:

NM_001394062.1(MACF1):c.21350G>A (p.Arg7117Gln)

Gene: MACF1 (microtubule actin crosslinking factor 1; plus strand). Cytogenetic location: 1p34.3.
Variant type: single nucleotide variant.
Coding change: c.21350G>A on transcript NM_001394062.1 (MANE Select); coding-DNA position 21350, G replaced by A.
Protein change: p.Arg7117Gln; replaces arginine 7117 with glutamine.
Molecular consequence: missense variant.
Genome position (GRCh38, 1-based): chr1:39,459,239, G>A. VCF-style: chr1-39459239-G-A. GRCh37 (hg19) VCF-style: chr1-39924911-G-A.
Other names: c.9428G>A, p.Arg3143Gln (NM_001397473.1); c.15173G>A, p.Arg5058Gln (NM_012090.5); short protein forms R3143Q, R7117Q, R5058Q.
Identifiers: ClinVar variation 4985167 (VCV004985167.1).

ClinVar aggregate classification (germline): Uncertain significance (1 of 4 stars; one submission).

Conditions:
MACF1-related disorder. Also called: MACF1-related condition.

gnomAD v4.1: 7 of 1,612,844 alleles (0.00043%); highest among the groups gnomAD compares: Admixed American, 0.0017%; no homozygotes.

Submission:

PreventionGenetics, part of Exact Sciences
Classification: Uncertain significance for MACF1-related condition. Last evaluated: 2025-05-23. Review status: criteria provided, single submitter. Criteria: ACMG Guidelines, 2015. Collection method: clinical testing. Allele origin: germline.
Comment: The MACF1 c.15173G>A variant is predicted to result in the amino acid substitution p.Arg5058Gln. To our knowledge, this variant has not been reported in the literature. This variant is reported in 0.0029% of alleles in individuals of Latino descent in gnomAD. At this time, the clinical significance of this variant is uncertain due to the absence of conclusive functional and genetic evidence.